The following is an entry in ClinVar:

ClinVar aggregate classification (germline): Uncertain significance (1 of 4 stars; one submission).

Conditions:
Perlman syndrome (PRLMNS). Identifiers: Orphanet 2849, MedGen C0796113, MONDO:0009965, OMIM 267000.

gnomAD v4.1: 3 of 1,614,056 alleles (0.00019%); highest among the groups gnomAD compares: East Asian, 0.0067%; no homozygotes.

Submission:

Labcorp Genetics (formerly Invitae), Labcorp
Classification: Uncertain significance for Perlman syndrome. Last evaluated: 2022-01-03. Review status: criteria provided, single submitter. Criteria: Invitae Variant Classification Sherloc (09022015). Collection method: clinical testing. Allele origin: germline.
Comment: ClinVar contains an entry for this variant (Variation ID: 938167). This variant has not been reported in the literature in individuals affected with DIS3L2-related conditions. This variant is present in population databases (no rsID available, gnomAD 0.006%). This sequence change replaces phenylalanine, which is neutral and non-polar, with leucine, which is neutral and non-polar, at codon 250 of the DIS3L2 protein (p.Phe250Leu). Algorithms developed to predict the effect of missense changes on protein structure and function output the following: SIFT: "Tolerated"; PolyPhen-2: "Benign"; Align-GVGD: "Class C0". The leucine amino acid residue is found in multiple mammalian species, which suggests that this missense change does not adversely affect protein function. In summary, the available evidence is currently insufficient to determine the role of this variant in disease. Therefore, it has been classified as a Variant of Uncertain Significance.

NM_152383.5(DIS3L2):c.750C>G (p.Phe250Leu)

Gene: DIS3L2 (DIS3 like 3'-5' exoribonuclease 2; plus strand). Cytogenetic location: 2q37.1.
Variant type: single nucleotide variant.
Coding change: c.750C>G on transcript NM_152383.5 (MANE Select); coding-DNA position 750, C replaced by G.
Protein change: p.Phe250Leu; replaces phenylalanine 250 with leucine.
Molecular consequence: missense variant. On other transcripts: non-coding transcript variant (1).
Genome position (GRCh38, 1-based): chr2:232,136,519, C>G. VCF-style: chr2-232136519-C-G. GRCh37 (hg19) VCF-style: chr2-233001229-C-G.
Other names: c.750C>G, p.Phe250Leu (NM_001257281.2); short protein forms F250L.
Identifiers: ClinVar variation 938167 (VCV000938167.9), dbSNP rs752349220, ClinGen allele CA351153508.